The following is an entry in ClinVar:

NM_017514.5(PLXNA3):c.2806A>G (p.Thr936Ala)

Gene: PLXNA3 (plexin A3; plus strand). Cytogenetic location: Xq28.
Variant type: single nucleotide variant.
Coding change: c.2806A>G on transcript NM_017514.5 (MANE Select); coding-DNA position 2806, A replaced by G.
Protein change: p.Thr936Ala; replaces threonine 936 with alanine.
Molecular consequence: missense variant.
Genome position (GRCh38, 1-based): chrX:154,466,382, A>G. VCF-style: chrX-154466382-A-G. GRCh37 (hg19) VCF-style: chrX-153694725-A-G.
Other names: c.2806A>G (NM_017514.3); short protein forms T936A.
Identifiers: ClinVar variation 3054219 (VCV003054219.3), dbSNP rs781883186, ClinGen allele CA10564492.

ClinVar aggregate classification (germline): Uncertain significance. Review status: criteria provided, single submitter (1 of 4 stars). 2 submissions from 2 submitters: Uncertain significance (1). 1 of the submissions does not count toward it. Last evaluated 2025-11-06.

Conditions:
PLXNA3-related disorder. Also called: PLXNA3-related condition.

Allele frequency attached by ClinVar (database versions not stated): gnomAD exomes 0.00001; gnomAD 0.00004; ExAC 0.00001.

Submissions (2):

Ambry Genetics
Classification: Uncertain significance. Last evaluated: 2025-11-06. Review status: criteria provided, single submitter. Criteria: Ambry Variant Classification Scheme 2023. Collection method: clinical testing. Allele origin: germline.

PreventionGenetics, part of Exact Sciences
Classification: Likely benign for PLXNA3-related condition. Last evaluated: 2022-03-03. Review status: no assertion criteria provided. Collection method: clinical testing. Allele origin: germline. Not counted in ClinVar's aggregate classification.
Comment: This variant is classified as likely benign based on ACMG/AMP sequence variant interpretation guidelines (Richards et al. 2015 PMID: 25741868, with internal and published modifications).